The following is an entry in ClinVar:

NM_001159773.2(CANT1):c.785G>C (p.Trp262Ser)

Gene: CANT1 (calcium activated nucleotidase 1; minus strand). Cytogenetic location: 17q25.3.
Variant type: single nucleotide variant.
Coding change: c.785G>C on transcript NM_001159773.2 (MANE Select); coding-DNA position 785, G replaced by C.
Protein change: p.Trp262Ser; replaces tryptophan 262 with serine.
Molecular consequence: missense variant.
Genome position (GRCh38, 1-based): chr17:78,995,068, C>G on the plus strand (G>C on the coding strand, the complement: CANT1 is on the minus strand). VCF-style: chr17-78995068-C-G. GRCh37 (hg19) VCF-style: chr17-76991150-C-G.
Other names: c.785G>C, p.Trp262Ser (NM_001159772.2, NM_138793.4); short protein forms W262S.
Identifiers: ClinVar variation 5005842 (VCV005005842.2).

ClinVar aggregate classification (germline): Uncertain significance (1 of 4 stars; one submission).

Conditions:
Desbuquois dysplasia 1 (DBQD1). Also called: DESBUQUOIS DYSPLASIA 1, KIM VARIANT; MICROMELIC DWARFISM WITH VERTEBRAL AND METAPHYSEAL ABNORMALITIES AND ADVANCED CARPOTARSAL OSSIFICATION. Identifiers: Orphanet 1425, MedGen C4012146, MONDO:0009629, OMIM 251450.
Epiphyseal dysplasia, multiple, 7. Identifiers: Orphanet 647676, MedGen C4540251, MONDO:0054680, OMIM 617719.

Submission:

Juno Genomics, Hangzhou Juno Genomics, Inc
Classification: Uncertain significance for Desbuquois dysplasia 1; Epiphyseal dysplasia, multiple, 7. Review status: criteria provided, single submitter. Criteria: ACMG Guidelines, 2015. Collection method: clinical testing. Allele origin: germline.
Comment: Absent from controls (or at extremely low frequency if recessive) in Genome Aggregation Database.;Multiple lines of computational evidence support a deleterious effect on the gene or gene product.